The following is an entry in ClinVar:

ClinVar aggregate classification (germline): Uncertain significance (1 of 4 stars; one submission).

Conditions:
Epidermolysis bullosa simplex with nail dystrophy (EBS5D). Identifiers: MedGen C4225309, MONDO:0014661, OMIM 616487.
Epidermolysis bullosa simplex, Ogna type (EBS5A). Also called: Pidermolysis bullosa simplex 5A, Ogna type; EPIDERMOLYSIS BULLOSA SIMPLEX 5A, OGNA TYPE. Identifiers: Orphanet 79401, MedGen C0432317, MONDO:0007555, OMIM 131950.
Autosomal recessive limb-girdle muscular dystrophy type 2Q (LGMDR17). Also called: MUSCULAR DYSTROPHY, LIMB-GIRDLE, AUTOSOMAL RECESSIVE 17. Identifiers: Orphanet 254361, MedGen C3150989, MONDO:0013390, OMIM 613723.
Epidermolysis bullosa simplex 5B, with muscular dystrophy (EBS5B). Also called: EPIDERMOLYSIS BULLOSA SIMPLEX AND LIMB-GIRDLE MUSCULAR DYSTROPHY; Epidermolysis bullosa simplex with muscular dystrophy. Identifiers: Orphanet 257, MedGen C2931072, MONDO:0009181, OMIM 226670.
Epidermolysis bullosa simplex 5C, with pyloric atresia (EBS5C). Also called: PLEC-Related Epidermolysis Bullosa with Pyloric Atresia; Epidermolysis bullosa simplex with pyloric atresia; PLEC1-Related Epidermolysis Bullosa with Pyloric Atresia. Identifiers: Orphanet 158684, MedGen C2677349, MONDO:0012807, OMIM 612138.

Submission:

Labcorp Genetics (formerly Invitae), Labcorp
Classification: Uncertain significance for Autosomal recessive limb-girdle muscular dystrophy type 2Q; Epidermolysis bullosa simplex, Ogna type; Epidermolysis bullosa simplex with nail dystrophy; Epidermolysis bullosa simplex 5C, with pyloric atresia; Epidermolysis bullosa simplex 5B, with muscular dystrophy. Last evaluated: 2024-05-23. Review status: criteria provided, single submitter. Criteria: Invitae Variant Classification Sherloc (09022015). Collection method: clinical testing. Allele origin: germline.
Comment: This sequence change replaces valine, which is neutral and non-polar, with phenylalanine, which is neutral and non-polar, at codon 1077 of the PLEC protein (p.Val1077Phe). This variant is not present in population databases (gnomAD no frequency). This variant has not been reported in the literature in individuals affected with PLEC-related conditions. Advanced modeling of protein sequence and biophysical properties (such as structural, functional, and spatial information, amino acid conservation, physicochemical variation, residue mobility, and thermodynamic stability) performed at Invitae indicates that this missense variant is not expected to disrupt PLEC protein function with a negative predictive value of 80%. In summary, the available evidence is currently insufficient to determine the role of this variant in disease. Therefore, it has been classified as a Variant of Uncertain Significance.

NM_201384.3(PLEC):c.3148G>T (p.Val1050Phe)

Gene: PLEC (plectin; minus strand). Cytogenetic location: 8q24.3.
Variant type: single nucleotide variant.
Coding change: c.3148G>T on transcript NM_201384.3 (MANE Select); coding-DNA position 3148, G replaced by T.
Protein change: p.Val1050Phe; replaces valine 1050 with phenylalanine.
Molecular consequence: missense variant.
Genome position (GRCh38, 1-based): chr8:143,929,215, C>A on the plus strand (G>T on the coding strand, the complement: PLEC is on the minus strand). VCF-style: chr8-143929215-C-A. GRCh37 (hg19) VCF-style: chr8-145003383-C-A.
Other names: c.3229G>T, p.Val1077Phe (NM_000445.5, NM_001410941.1); c.3106G>T, p.Val1036Phe (NM_201378.4); c.3082G>T, p.Val1028Phe (NM_201379.3); c.3559G>T, p.Val1187Phe (NM_201380.4); c.3052G>T, p.Val1018Phe (NM_201381.3); c.3148G>T, p.Val1050Phe (NM_201382.4); c.3160G>T, p.Val1054Phe (NM_201383.3); short protein forms V1018F, V1028F, V1036F, V1050F, V1054F, V1077F, V1187F.
Identifiers: ClinVar variation 3751288 (VCV003751288.2).